The following is an entry in ClinVar:

ClinVar aggregate classification (germline): Conflicting classifications of pathogenicity. Review status: criteria provided, conflicting classifications (1 of 4 stars). 10 submissions from 10 submitters: Uncertain significance (8); Benign (1); Likely benign (1). Last evaluated 2026-04-15.

Conditions:
EGFR-related disorder. Also called: EGFR-related condition.
Lung cancer. Also called: Lung cancer, somatic; Malignant tumor of lung. Identifiers: MedGen C0242379, MONDO:0008903, OMIM 211980.
Inflammatory skin and bowel disease, neonatal, 2 (NNCIS). Identifiers: Orphanet 294023, MedGen C4015130, MONDO:0014481, OMIM 616069.
Hereditary cancer. Identifiers: MedGen C1333600.
EGFR-related lung cancer (EGFR). Identifiers: MedGen CN130014.
Hereditary cancer-predisposing syndrome. Also called: Tumor predisposition; Hereditary Cancer Syndrome; Hereditary neoplastic syndrome; Neoplastic Syndromes, Hereditary. Identifiers: Orphanet 140162, MedGen C0027672, MeSH D009386, MONDO:0015356.
Diffuse midline glioma, H3 K27-altered. Identifiers: MedGen C5669877, MONDO:1060171.

Allele frequency attached by ClinVar (database versions not stated): 1000 Genomes Project 30x 0.00016; 1000 Genomes Project 0.00020; gnomAD exomes 0.00028 and 0.00031; ESP Exome Variant Server 0.00031; ExAC 0.00033; gnomAD 0.00034 and 0.00036; TOPMed 0.00039.
gnomAD v4.1: 455 of 1,614,180 alleles (0.028%); highest among the groups gnomAD compares: Admixed American, 0.037%; no homozygotes.

Submissions (10):

PreventionGenetics, part of Exact Sciences
Classification: Uncertain significance for EGFR-related condition. Last evaluated: 2026-04-15. Review status: criteria provided, single submitter. Criteria: ACMG Guidelines, 2015. Collection method: clinical testing. Allele origin: germline.
Comment: The EGFR c.3629C>T variant is predicted to result in the amino acid substitution p.Ala1210Val. This variant was reported in an individual with adrenocortical carcinoma (Table S4, Akhavanfard et al. 2021. PubMed ID: 33326033) and in two individuals with a personal or family history of breast cancer (Pereira et al. 2022. PubMed ID: 35980532). This variant is reported in 0.049% of alleles in individuals of European (Non-Finnish) descent in gnomAD and has conflicting interpretations in ClinVar ranging from benign to uncertain (Variation ID: 584703). At this time, the clinical significance of this variant is uncertain due to the absence of conclusive functional and genetic evidence.

Labcorp Genetics (formerly Invitae), Labcorp
Classification: Uncertain significance for EGFR-related lung cancer. Last evaluated: 2026-02-03. Review status: criteria provided, single submitter. Criteria: Invitae Variant Classification Sherloc (09022015). Collection method: clinical testing. Allele origin: germline.
Comment: This sequence change replaces alanine, which is neutral and non-polar, with valine, which is neutral and non-polar, at codon 1210 of the EGFR protein (p.Ala1210Val). This variant is present in population databases (rs35918369, gnomAD 0.04%). This missense change has been observed in individual(s) with a personal or family history of breast cancer and/or adrenocortical carcinoma (PMID: 33326033, 35980532). ClinVar contains an entry for this variant (Variation ID: 584703). An algorithm developed to predict the effect of missense changes on protein structure and function (PolyPhen-2) suggests that this variant is likely to be disruptive. In summary, the available evidence is currently insufficient to determine the role of this variant in disease. Therefore, it has been classified as a Variant of Uncertain Significance.

Ambry Genetics
Classification: Benign for Hereditary cancer-predisposing syndrome. Last evaluated: 2024-08-23. Review status: criteria provided, single submitter. Criteria: Ambry Variant Classification Scheme 2023. Collection method: clinical testing. Allele origin: germline.

Mendelics
Classification: Likely benign for Hereditary cancer. Last evaluated: 2024-01-23. Review status: criteria provided, single submitter. Criteria: ACMG Guidelines, 2015. Collection method: clinical testing. Allele origin: unknown.

Fulgent Genetics
Classification: Uncertain significance for Lung cancer; Inflammatory skin and bowel disease, neonatal, 2. Last evaluated: 2024-01-03. Review status: criteria provided, single submitter. Criteria: ACMG Guidelines, 2015. Collection method: clinical testing. Allele origin: germline.

CeGaT Center for Human Genetics Tuebingen
Classification: Uncertain significance. Last evaluated: 2023-09-01. Review status: criteria provided, single submitter. Criteria: CeGaT Center For Human Genetics Tuebingen Variant Classification Criteria Version 2. Collection method: clinical testing. Allele origin: germline. Affected: yes. Observed: 1 variant allele.
Comment: EGFR: PM2, BP4

Laboratory of Medical Genetics Unit, Bambino Gesù Children's Hospital
Classification: Uncertain significance for Diffuse midline glioma, H3 K27-altered. Last evaluated: 2022-04-27. Review status: criteria provided, single submitter. Criteria: ACMG Guidelines, 2015. Collection method: research. Allele origin: maternal. Affected: yes. Observed: 1 heterozygote.

Institute for Clinical Genetics, University Hospital TU Dresden, University Hospital TU Dresden
Classification: Uncertain significance. Last evaluated: 2021-11-03. Review status: criteria provided, single submitter. Criteria: ACMG Guidelines, 2015. Collection method: clinical testing. Allele origin: germline.

Sema4
Classification: Uncertain significance for Hereditary cancer-predisposing syndrome. Last evaluated: 2021-10-22. Review status: criteria provided, single submitter. Criteria: Sema4 Curation Guidelines. Collection method: curation. Allele origin: germline.
Comment: The EGFR c.3629C>T (p.A1210V) variant has not been reported in individuals with EGFR-related disease to our knowledge. This sequence change replaces the last amino acid of the EGFR protein, alanine, with valine at codon 1210. Functional studies have not been performed, in silico predictions of the variant's effect on protein function are inconclusive. It was observed in 63/129162 chromosomes of the Non-Finnish European subpopulation, with no homozygotes, in the large and broad cohorts of the Genome Aggregation Database. The variant has been reported in ClinVar (Variation ID 584703). The overall evidence is insufficient to meet ACMG/AMP criteria for classifying it as benign or pathogenic. Thus, the clinical significance of this variant is currently uncertain.

Baylor Genetics
Classification: Uncertain significance for Lung cancer. Last evaluated: 2020-11-23. Review status: criteria provided, single submitter. Criteria: ACMG Guidelines, 2015. Collection method: clinical testing. Allele origin: maternal. Affected: yes. Study: CSER-TexasKidsCanSeq.
Comment: This variant was determined to be of uncertain significance according to ACMG Guidelines, 2015 [PMID:25741868].

Literature cited by the submitters: PubMed 33326033 (cited by Labcorp Genetics (formerly Invitae), Labcorp); PubMed 35980532 (cited by Labcorp Genetics (formerly Invitae), Labcorp).

NM_005228.5(EGFR):c.3629C>T (p.Ala1210Val)

Gene: EGFR (epidermal growth factor receptor; plus strand). Cytogenetic location: 7p11.2.
Variant type: single nucleotide variant.
Coding change: c.3629C>T on transcript NM_005228.5 (MANE Select); coding-DNA position 3629, C replaced by T.
Protein change: p.Ala1210Val; replaces alanine 1210 with valine.
Molecular consequence: missense variant.
Genome position (GRCh38, 1-based): chr7:55,205,613, C>T. VCF-style: chr7-55205613-C-T. GRCh37 (hg19) VCF-style: chr7-55273306-C-T.
Other names: c.3494C>T, p.Ala1165Val (NM_001346899.2); c.3470C>T, p.Ala1157Val (NM_001346900.2); c.2828C>T, p.Ala943Val (NM_001346941.2); short protein forms A1210V, A1165V, A943V, A1157V.
Identifiers: ClinVar variation 584703 (VCV000584703.44), dbSNP rs35918369, ClinGen allele CA4266437.